The following is an entry in ClinVar:

ClinVar aggregate classification (germline): Uncertain significance (1 of 4 stars; one submission).

Conditions:
Neuroblastoma, susceptibility to, 3. Also called: ALK-Related Neuroblastic Tumor Susceptibility. Identifiers: Orphanet 635, MedGen C2751681, MONDO:0013083, OMIM 613014.

Submission:

Labcorp Genetics (formerly Invitae), Labcorp
Classification: Uncertain significance for Neuroblastoma, susceptibility to, 3. Last evaluated: 2024-05-20. Review status: criteria provided, single submitter. Criteria: Invitae Variant Classification Sherloc (09022015). Collection method: clinical testing. Allele origin: germline.
Comment: This sequence change replaces phenylalanine, which is neutral and non-polar, with leucine, which is neutral and non-polar, at codon 1301 of the ALK protein (p.Phe1301Leu). This variant is not present in population databases (gnomAD no frequency). This variant has not been reported in the literature in individuals affected with ALK-related conditions. ClinVar contains an entry for this variant (Variation ID: 1398159). An algorithm developed to predict the effect of missense changes on protein structure and function (PolyPhen-2) suggests that this variant is likely to be disruptive. In summary, the available evidence is currently insufficient to determine the role of this variant in disease. Therefore, it has been classified as a Variant of Uncertain Significance.

NM_004304.5(ALK):c.3901T>C (p.Phe1301Leu)

Gene: ALK (ALK receptor tyrosine kinase; minus strand). Cytogenetic location: 2p23.2.
Variant type: single nucleotide variant.
Coding change: c.3901T>C on transcript NM_004304.5 (MANE Select); coding-DNA position 3901, T replaced by C.
Protein change: p.Phe1301Leu; replaces phenylalanine 1301 with leucine.
Molecular consequence: missense variant.
Genome position (GRCh38, 1-based): chr2:29,207,208, A>G on the plus strand (T>C on the coding strand, the complement: ALK is on the minus strand). VCF-style: chr2-29207208-A-G. GRCh37 (hg19) VCF-style: chr2-29430074-A-G.
Other names: c.697T>C, p.Phe233Leu (NM_001353765.2); short protein forms F233L, F1301L.
Identifiers: ClinVar variation 1398159 (VCV001398159.6), dbSNP rs2148152031, ClinGen allele CA346468663.